The following is an entry in ClinVar:

NM_001077415.3(CRELD1):c.320G>A (p.Arg107His)

Gene: CRELD1 (CRELD disulfide isomerase 1; plus strand). Cytogenetic location: 3p25.3.
Variant type: single nucleotide variant.
Coding change: c.320G>A on transcript NM_001077415.3 (MANE Select); coding-DNA position 320, G replaced by A.
Protein change: p.Arg107His; replaces arginine 107 with histidine.
Molecular consequence: missense variant. On other transcripts: non-coding transcript variant (3).
Genome position (GRCh38, 1-based): chr3:9,937,624, G>A. VCF-style: chr3-9937624-G-A. GRCh37 (hg19) VCF-style: chr3-9979308-G-A.
Other names: c.320G>A, p.Arg107His (NM_001031717.4, NM_001374316.1, NM_001374317.1 and 4 more transcripts); c.320G>A (NM_015513.4); short protein forms R107H.
Identifiers: ClinVar variation 3429 (VCV000003429.15), dbSNP rs28941780, ClinGen allele CA281535.

ClinVar aggregate classification (germline): Conflicting classifications of pathogenicity. Review status: criteria provided, conflicting classifications (1 of 4 stars). 4 submissions from 4 submitters: Uncertain significance (1); Benign (1); Likely benign (1). 1 of the submissions does not count toward it. Last evaluated 2025-11-05.

Conditions:
Atrioventricular septal defect, susceptibility to, 2. Identifiers: MedGen C1853508, MONDO:0011650, OMIM 606217.
Atrioventricular septal defect, partial, with heterotaxy syndrome. Identifiers: MedGen C1853509.
CRELD1-related disorder. Also called: CRELD1-related condition.

Allele frequency attached by ClinVar (database versions not stated): gnomAD exomes 0.00012 and 0.00035; ExAC 0.00058; gnomAD 0.00131 and 0.00139; TOPMed 0.00142; 1000 Genomes Project 30x 0.00156; 1000 Genomes Project 0.00160.

Submissions (4):

Labcorp Genetics (formerly Invitae), Labcorp
Classification: Benign for Atrioventricular septal defect, susceptibility to, 2. Last evaluated: 2025-11-05. Review status: criteria provided, single submitter. Criteria: Invitae Variant Classification Sherloc (09022015). Collection method: clinical testing. Allele origin: germline.

PreventionGenetics, part of Exact Sciences
Classification: Likely benign for CRELD1-related condition. Last evaluated: 2025-02-12. Review status: criteria provided, single submitter. Criteria: ACMG Guidelines, 2015. Collection method: clinical testing. Allele origin: germline.
Comment: This variant is classified as likely benign based on ACMG/AMP sequence variant interpretation guidelines (Richards et al. 2015 PMID: 25741868, with internal and published modifications).

Eurofins Ntd Llc (ga)
Classification: Uncertain significance. Last evaluated: 2016-01-13. Review status: criteria provided, single submitter. Criteria: EGL Classification Definitions 2015. Collection method: clinical testing. Allele origin: germline. Observed: 1 variant allele, 1 heterozygote.

OMIM
Classification: Pathogenic for ATRIOVENTRICULAR SEPTAL DEFECT, PARTIAL, WITH HETEROTAXY SYNDROME. Last evaluated: 2014-03-31. Review status: no assertion criteria provided. Collection method: literature only. Allele origin: germline. Not counted in ClinVar's aggregate classification.

Literature cited by the submitters: PubMed 12632326 (cited by OMIM); PubMed 24697899 (cited by OMIM).